The following is an entry in ClinVar:

ClinVar aggregate classification (germline): Uncertain significance (1 of 4 stars; one submission).

Conditions:
Epidermolysis bullosa simplex with nail dystrophy (EBS5D). Identifiers: MedGen C4225309, MONDO:0014661, OMIM 616487.
Epidermolysis bullosa simplex 5C, with pyloric atresia (EBS5C). Also called: PLEC-Related Epidermolysis Bullosa with Pyloric Atresia; Epidermolysis bullosa simplex with pyloric atresia; PLEC1-Related Epidermolysis Bullosa with Pyloric Atresia. Identifiers: Orphanet 158684, MedGen C2677349, MONDO:0012807, OMIM 612138.
Autosomal recessive limb-girdle muscular dystrophy type 2Q (LGMDR17). Also called: MUSCULAR DYSTROPHY, LIMB-GIRDLE, AUTOSOMAL RECESSIVE 17. Identifiers: Orphanet 254361, MedGen C3150989, MONDO:0013390, OMIM 613723.
Epidermolysis bullosa simplex, Ogna type (EBS5A). Also called: Pidermolysis bullosa simplex 5A, Ogna type; EPIDERMOLYSIS BULLOSA SIMPLEX 5A, OGNA TYPE. Identifiers: Orphanet 79401, MedGen C0432317, MONDO:0007555, OMIM 131950.
Epidermolysis bullosa simplex 5B, with muscular dystrophy (EBS5B). Also called: EPIDERMOLYSIS BULLOSA SIMPLEX AND LIMB-GIRDLE MUSCULAR DYSTROPHY; Epidermolysis bullosa simplex with muscular dystrophy. Identifiers: Orphanet 257, MedGen C2931072, MONDO:0009181, OMIM 226670.

gnomAD v4.1: 1 of 1,592,020 alleles (0.000063%); highest among the groups gnomAD compares: Admixed American, 0.0017%; no homozygotes.

Submission:

Labcorp Genetics (formerly Invitae), Labcorp
Classification: Uncertain significance for Autosomal recessive limb-girdle muscular dystrophy type 2Q; Epidermolysis bullosa simplex, Ogna type; Epidermolysis bullosa simplex with nail dystrophy; Epidermolysis bullosa simplex 5C, with pyloric atresia; Epidermolysis bullosa simplex 5B, with muscular dystrophy. Last evaluated: 2023-07-10. Review status: criteria provided, single submitter. Criteria: Invitae Variant Classification Sherloc (09022015). Collection method: clinical testing. Allele origin: germline.
Comment: Algorithms developed to predict the effect of missense changes on protein structure and function output the following: SIFT: "Not Available"; PolyPhen-2: "Benign"; Align-GVGD: "Not Available". The asparagine amino acid residue is found in multiple mammalian species, which suggests that this missense change does not adversely affect protein function. This variant has not been reported in the literature in individuals affected with PLEC-related conditions. This variant is not present in population databases (gnomAD no frequency). This sequence change replaces serine, which is neutral and polar, with asparagine, which is neutral and polar, at codon 3195 of the PLEC protein (p.Ser3195Asn). In summary, the available evidence is currently insufficient to determine the role of this variant in disease. Therefore, it has been classified as a Variant of Uncertain Significance.

NM_201384.3(PLEC):c.9503G>A (p.Ser3168Asn)

Gene: PLEC (plectin; minus strand). Cytogenetic location: 8q24.3.
Variant type: single nucleotide variant.
Coding change: c.9503G>A on transcript NM_201384.3 (MANE Select); coding-DNA position 9503, G replaced by A.
Protein change: p.Ser3168Asn; replaces serine 3168 with asparagine.
Molecular consequence: missense variant.
Genome position (GRCh38, 1-based): chr8:143,920,318, C>T on the plus strand (G>A on the coding strand, the complement: PLEC is on the minus strand). VCF-style: chr8-143920318-C-T. GRCh37 (hg19) VCF-style: chr8-144994486-C-T.
Other names: c.9584G>A, p.Ser3195Asn (NM_000445.5); c.6203G>A, p.Ser2068Asn (NM_001410941.1); c.9461G>A, p.Ser3154Asn (NM_201378.4); c.9437G>A, p.Ser3146Asn (NM_201379.3); c.9914G>A, p.Ser3305Asn (NM_201380.4); c.9407G>A, p.Ser3136Asn (NM_201381.3); c.9503G>A, p.Ser3168Asn (NM_201382.4); c.9515G>A, p.Ser3172Asn (NM_201383.3); short protein forms S2068N, S3136N, S3168N, S3172N, S3305N, S3146N, S3154N, S3195N.
Identifiers: ClinVar variation 2936370 (VCV002936370.3), dbSNP rs2537350063, ClinGen allele CA372508537.